The following is an entry in ClinVar:

ClinVar aggregate classification (germline): Benign/Likely benign. Review status: criteria provided, multiple submitters, no conflicts (2 of 4 stars). 10 submissions from 10 submitters: Benign (6); Likely benign (4). Last evaluated 2025-11-24.

Conditions:
Type 1 diabetes mellitus 2. Identifiers: MedGen C1852092, MONDO:0007454, OMIM 125852.
Diabetes mellitus, permanent neonatal 4. Also called: INS-Related Permanent Neonatal Diabetes Mellitus. Identifiers: MedGen C5394307, MONDO:0030089, OMIM 618858.
Hyperproinsulinemia. Identifiers: MedGen C0342283, MONDO:0014535, OMIM 616214.
Maturity-onset diabetes of the young type 10. Identifiers: Orphanet 552, MedGen C3150617, MONDO:0013240, OMIM 613370.
Neonatal diabetes mellitus (NDM). Identifiers: Orphanet 224, MedGen C0158981, MONDO:0016391.
Neonatal insulin-dependent diabetes mellitus. Identifiers: MedGen C3278636, HP:0000857.

Allele frequency attached by ClinVar (database versions not stated): gnomAD exomes 0.00130; ExAC 0.00285; ESP Exome Variant Server 0.00512; gnomAD 0.00616; TOPMed 0.00666; 1000 Genomes Project 0.00819; 1000 Genomes Project 30x 0.00906.
gnomAD v4.1: 1,833 of 1,571,286 alleles (0.12%); highest among the groups gnomAD compares: African/African-American, 2%; 22 homozygotes.

Submissions (10):

Labcorp Genetics (formerly Invitae), Labcorp
Classification: Benign. Last evaluated: 2025-11-24. Review status: criteria provided, single submitter. Criteria: Invitae Variant Classification Sherloc (09022015). Collection method: clinical testing. Allele origin: germline.

Blueprint Genetics
Classification: Likely benign. Last evaluated: 2024-10-03. Review status: criteria provided, single submitter. Criteria: ACMG Guidelines, 2015. Collection method: clinical testing. Allele origin: germline.

ARUP Laboratories, Molecular Genetics and Genomics, ARUP Laboratories
Classification: Benign. Last evaluated: 2023-11-28. Review status: criteria provided, single submitter. Criteria: ARUP Molecular Germline Variant Investigation Process 2024. Collection method: clinical testing. Allele origin: germline.

Fulgent Genetics
Classification: Likely benign for Type 1 diabetes mellitus 2; Maturity-onset diabetes of the young type 10; Hyperproinsulinemia; Diabetes mellitus, permanent neonatal 4. Last evaluated: 2021-11-02. Review status: criteria provided, single submitter. Criteria: ACMG Guidelines, 2015. Collection method: clinical testing. Allele origin: unknown.

GeneDx
Classification: Likely benign. Last evaluated: 2018-09-04. Review status: criteria provided, single submitter. Criteria: GeneDx Variant Classification Process June 2021. Collection method: clinical testing. Allele origin: germline. Affected: yes.

Genetic Services Laboratory, University of Chicago
Classification: Benign. Last evaluated: 2018-04-10. Review status: criteria provided, single submitter. Criteria: ACMG Guidelines, 2015. Collection method: clinical testing. Allele origin: germline. Affected: no.

Women's Health and Genetics/Laboratory Corporation of America, LabCorp
Classification: Benign for Neonatal Diabetes Mellitus. Last evaluated: 2011-08-18. Review status: criteria provided, single submitter. Criteria: LabCorp Variant Classification Summary - May 2015. Collection method: curation, clinical testing. Allele origin: germline. Inheritance: autosomal unknown. Affected: yes.
ClinVar note: Converted during submission from benign to Benign.

Breakthrough Genomics
Classification: Likely benign. Review status: criteria provided, single submitter. Criteria: ACMG Guidelines, 2015. Collection method: not provided. Allele origin: germline. Inheritance: Autosomal dominant inheritance. Affected: yes.

Clinical Genomics, Uppaluri K&H Personalized Medicine Clinic
Classification: Benign for Neonatal insulin-dependent diabetes mellitus. Review status: criteria provided, single submitter. Criteria: K & H Uppaluri Personalized Medicine Clinic Variant Classification & Assertion Criteria_Updated V.1. Collection method: research. Allele origin: unknown.
Comment: Mutations in INS gene can cause early onset diabetes mellitus which is insulin dependent. May have poor response to sulfonylureas, as this mutation can cause beta cell destruction. However no sufficient evidence is found to ascertain the role of this particular variant rs5507, yet.

PreventionGenetics, part of Exact Sciences
Classification: Benign. Review status: criteria provided, single submitter. Criteria: ACMG Guidelines, 2015. Collection method: clinical testing. Allele origin: germline.

Literature cited by the submitters: PubMed 11921414 (cited by Clinical Genomics, Uppaluri K&H Personalized Medicine Clinic); PubMed 25542748 (cited by Clinical Genomics, Uppaluri K&H Personalized Medicine Clinic); PubMed 26101329 (cited by Clinical Genomics, Uppaluri K&H Personalized Medicine Clinic); PubMed 18171712 (cited by Clinical Genomics, Uppaluri K&H Personalized Medicine Clinic).

NM_000207.3(INS):c.188-16C>T

Genes: INS (insulin; minus strand), INS-IGF2 (INS-IGF2 readthrough; minus strand). Cytogenetic location: 11p15.5.
Variant type: single nucleotide variant.
Coding change: c.188-16C>T on transcript NM_000207.3 (MANE Select); 16 bases into the intron before coding-DNA position 188, C replaced by T.
Molecular consequence: intron variant.
Genome position (GRCh38, 1-based): chr11:2,160,013, G>A on the plus strand (C>T on the coding strand, the complement: INS is on the minus strand). VCF-style: chr11-2160013-G-A. GRCh37 (hg19) VCF-style: chr11-2181243-G-A.
Other names: c.187+772C>T (NM_001042376.3); c.188-16C>T (NM_001185097.2, NM_001291897.2, NM_001185098.2).
Identifiers: ClinVar variation 36400 (VCV000036400.24), dbSNP rs5507, ClinGen allele CA214064.
Genomic context (GRCh38, chr11:2,160,013, plus strand): 5'-GCAGGCTGCCTGCACCAGGGCCCCCGCCCAGCTCCACCTGCCCCACTGCCAGGACGTGCC[G>A]CGCAGAGCAGGTTCCGGAACAGCGGCGAGGCAGAGGGACACAGGAGGACACAGTCAGGGA-3'